The following is an entry in ClinVar:

NM_001277115.2(DNAH11):c.7511A>G (p.Lys2504Arg)

Gene: DNAH11 (dynein axonemal heavy chain 11; plus strand). Cytogenetic location: 7p15.3.
Variant type: single nucleotide variant.
Coding change: c.7511A>G on transcript NM_001277115.2 (MANE Select); coding-DNA position 7511, A replaced by G.
Protein change: p.Lys2504Arg; replaces lysine 2504 with arginine.
Molecular consequence: missense variant.
Genome position (GRCh38, 1-based): chr7:21,735,710, A>G. VCF-style: chr7-21735710-A-G. GRCh37 (hg19) VCF-style: chr7-21775328-A-G.
Other names: short protein forms K2504R.
Identifiers: ClinVar variation 952848 (VCV000952848.11), dbSNP rs775730577, ClinGen allele CA4181252.
Genomic context (GRCh38, chr7:21,735,710, plus strand): 5'-TTCACACAACAGAGACAGCTCGTCTTAGATATTTCATGGAGTTGTTGCTTGAGAAAGGAA[A>G]ACCTCTAATGCTAGTAGGAAATGCAGGAGTGGGAAAAACAGTCTTTGTAGGTGACACATT-3'
Protein context (NP_001264044.1, residues 2494-2514): YFMELLLEKG[Lys2504Arg]PLMLVGNAGV

ClinVar aggregate classification (germline): Conflicting classifications of pathogenicity. Review status: criteria provided, conflicting classifications (1 of 4 stars). 2 submissions from 2 submitters: Uncertain significance (1); Benign (1). Last evaluated 2026-01-06.

Conditions:
Primary ciliary dyskinesia. Also called: Ciliary dyskinesia. Identifiers: Orphanet 244, MedGen C0008780, MONDO:0016575, HP:0012265.

Allele frequency attached by ClinVar (database versions not stated): ExAC 0.00001; gnomAD exomes 0.00002 and 0.00003; TOPMed 0.00002; gnomAD 0.00003 and 0.00004.
gnomAD v4.1: 34 of 1,613,794 alleles (0.0021%); highest among the groups gnomAD compares: Non-Finnish European, 0.0026%; no homozygotes.

Submissions (2):

Labcorp Genetics (formerly Invitae), Labcorp
Classification: Benign for Primary ciliary dyskinesia. Last evaluated: 2026-01-06. Review status: criteria provided, single submitter. Criteria: Invitae Variant Classification Sherloc (09022015). Collection method: clinical testing. Allele origin: germline.

Ambry Genetics
Classification: Uncertain significance for Primary ciliary dyskinesia. Last evaluated: 2024-12-13. Review status: criteria provided, single submitter. Criteria: Ambry Variant Classification Scheme 2023. Collection method: clinical testing. Allele origin: germline.
Comment: The p.K2504R variant (also known as c.7511A>G), located in coding exon 46 of the DNAH11 gene, results from an A to G substitution at nucleotide position 7511. The lysine at codon 2504 is replaced by arginine, an amino acid with highly similar properties. This amino acid position is conserved. In addition, this alteration is predicted to be tolerated by in silico analysis. Based on the available evidence, the clinical significance of this variant remains unclear.